The following is an entry in ClinVar:

NM_198253.3(TERT):c.1132A>G (p.Arg378Gly)

Gene: TERT (telomerase reverse transcriptase; minus strand). Cytogenetic location: 5p15.33.
Variant type: single nucleotide variant.
Coding change: c.1132A>G on transcript NM_198253.3 (MANE Select); coding-DNA position 1132, A replaced by G.
Protein change: p.Arg378Gly; replaces arginine 378 with glycine.
Molecular consequence: missense variant. On other transcripts: non-coding transcript variant (2).
Genome position (GRCh38, 1-based): chr5:1,293,754, T>C on the plus strand (A>G on the coding strand, the complement: TERT is on the minus strand). VCF-style: chr5-1293754-T-C. GRCh37 (hg19) VCF-style: chr5-1293869-T-C.
Other names: c.1132A>G, p.Arg378Gly (NM_001193376.3, NM_003219.1); short protein forms R378G.
Identifiers: ClinVar variation 2938784 (VCV002938784.4), dbSNP rs2478414235, ClinGen allele CA359055374.

ClinVar aggregate classification (germline): Uncertain significance. Review status: criteria provided, multiple submitters, no conflicts (2 of 4 stars). 2 submissions from 2 submitters: Uncertain significance (2). Last evaluated 2024-07-23.

Conditions:
Dyskeratosis congenita, autosomal dominant 2. Identifiers: MedGen C3151443, MONDO:0013521, OMIM 613989.
Idiopathic Pulmonary Fibrosis. Also called: Idiopathic fibrosing alveolitis, chronic form; idiopathic fibrosing alveolitis. Identifiers: Orphanet 2032, MedGen C1800706, MeSH D054990, MONDO:0800504.
Dyskeratosis congenita. Identifiers: Orphanet 1775, MedGen C0265965, MONDO:0015780.

Submissions (2):

Ambry Genetics
Classification: Uncertain significance for Dyskeratosis congenita. Last evaluated: 2024-07-23. Review status: criteria provided, single submitter. Criteria: Ambry Variant Classification Scheme 2023. Collection method: clinical testing. Allele origin: germline.
Comment: The p.R378G variant (also known as c.1132A>G), located in coding exon 2 of the TERT gene, results from an A to G substitution at nucleotide position 1132. The arginine at codon 378 is replaced by glycine, an amino acid with dissimilar properties. This amino acid position is conserved. In addition, the in silico prediction for this alteration is inconclusive. Based on the available evidence, the clinical significance of this variant remains unclear.

Labcorp Genetics (formerly Invitae), Labcorp
Classification: Uncertain significance for Dyskeratosis congenita, autosomal dominant 2; Idiopathic Pulmonary Fibrosis. Last evaluated: 2023-10-04. Review status: criteria provided, single submitter. Criteria: Invitae Variant Classification Sherloc (09022015). Collection method: clinical testing. Allele origin: germline.
Comment: This sequence change replaces arginine, which is basic and polar, with glycine, which is neutral and non-polar, at codon 378 of the TERT protein (p.Arg378Gly). This variant is not present in population databases (gnomAD no frequency). This variant has not been reported in the literature in individuals affected with TERT-related conditions. Algorithms developed to predict the effect of missense changes on protein structure and function output the following: SIFT: "Not Available"; PolyPhen-2: "Benign"; Align-GVGD: "Not Available". The glycine amino acid residue is found in multiple mammalian species, which suggests that this missense change does not adversely affect protein function. In summary, the available evidence is currently insufficient to determine the role of this variant in disease. Therefore, it has been classified as a Variant of Uncertain Significance.